The following is an entry in ClinVar:

NM_015175.3(NBEAL2):c.5229C>T (p.Ala1743=)

Gene: NBEAL2 (neurobeachin like 2; plus strand). Cytogenetic location: 3p21.31.
Variant type: single nucleotide variant.
Coding change: c.5229C>T on transcript NM_015175.3 (MANE Select); coding-DNA position 5229, C replaced by T.
Protein change: p.Ala1743=; no amino-acid change (alanine 1743 retained).
Molecular consequence: synonymous variant.
Genome position (GRCh38, 1-based): chr3:47,002,448, C>T. VCF-style: chr3-47002448-C-T. GRCh37 (hg19) VCF-style: chr3-47043938-C-T.
Other names: p.Ala1743=; c.5127C>T, p.Ala1709= (NM_001365116.2).
Identifiers: ClinVar variation 4684698 (VCV004684698.2).
Genomic context (GRCh38, chr3:47,002,448, plus strand): 5'-CCAGTTCGAAATGGACACGTATGCTAAGAGCCACGACCTTATGTCAGGTTTCTGGAATGC[C>T]TGCTATGACATGCTTATGAGCAGTGGGCAGCGGCGCCAGTGGGAGCGCGCCCAGAGTCGT-3'
Protein context (NP_055990.1, residues 1733-1753): SHDLMSGFWN[Ala1743=]CYDMLMSSGQ

ClinVar aggregate classification (germline): Likely benign. Review status: criteria provided, multiple submitters, no conflicts (2 of 4 stars). 2 submissions from 2 submitters: Likely benign (2). Last evaluated 2025-08-14.

gnomAD v4.1: 67 of 1,613,394 alleles (0.0042%); highest among the groups gnomAD compares: African/African-American, 0.073%; no homozygotes.

Submissions (2):

Mayo Clinic Laboratories, Mayo Clinic
Classification: Likely benign. Last evaluated: 2025-08-14. Review status: criteria provided, single submitter. Criteria: ACMG Guidelines, 2015. Collection method: clinical testing. Allele origin: germline. Observed: 1 variant allele.
Comment: BP4, BP7

Blueprint Genetics
Classification: Likely benign. Last evaluated: 2022-06-30. Review status: criteria provided, single submitter. Criteria: ACMG Guidelines, 2015. Collection method: clinical testing. Allele origin: germline.